The following is an entry in ClinVar:

NM_001009944.3(PKD1):c.12275_12276insGCCGC (p.Leu4093fs)

Gene: PKD1 (polycystin 1, transient receptor potential channel interacting; minus strand). Cytogenetic location: 16p13.3.
Variant type: Microsatellite.
Coding change: c.12275_12276insGCCGC on transcript NM_001009944.3 (MANE Select); coding-DNA positions 12275 to 12276, GCCGC inserted.
Protein change: p.Leu4093fs; shifts the reading frame from leucine 4093.
Molecular consequence: frameshift variant.
Genome position: GRCh38 VCF-style: chr16-2090453-T-TGCGGC. GRCh37 (hg19) VCF-style: chr16-2140454-T-TGCGGC.
Other names: c.12272_12273insGCCGC, p.Leu4092fs (NM_000296.4); short protein forms L4092fs, L4093fs.
Identifiers: ClinVar variation 4848596 (VCV004848596.1).

ClinVar aggregate classification (germline): Pathogenic (1 of 4 stars; one submission).

Conditions:
Polycystic kidney disease, adult type (PKD1). Also called: Polycystic Kidney Disease 1, Autosomal Dominant; Polycystic kidney disease 1; Polycystic kidney disease 1, severe; POLYCYSTIC KIDNEY DISEASE 1 WITH OR WITHOUT POLYCYSTIC LIVER DISEASE; POLYCYSTIC KIDNEY DISEASE, ADULT, TYPE I; Polycystic Kidney, Autosomal Dominant. Identifiers: MedGen C3149841, MONDO:0008263, OMIM 173900.

Submission:

Women's Health and Genetics/Laboratory Corporation of America, LabCorp
Classification: Pathogenic for Polycystic kidney disease, adult type. Last evaluated: 2026-04-14. Review status: criteria provided, single submitter. Criteria: LabCorp Variant Classification Summary - May 2015. Collection method: clinical testing. Allele origin: germline.
Comment: Variant summary: PKD1 c.12275_12276insGCCGC (p.Leu4093ProfsX107) results in a premature termination codon, predicted to cause a truncation of the encoded protein, but is not expected to result in nonsense mediated decay. Downstream truncating variants have been classified as likely pathogenic/pathogenic by our lab. The variant was absent in 243712 control chromosomes (gnomAD). To our knowledge, no occurrence of c.12275_12276insGCCGC in individuals affected with PKD1-related conditions and no experimental evidence demonstrating its impact on protein function have been reported. No submitters have cited clinical-significance assessments for this variant to ClinVar. Based on the evidence outlined above, the variant was classified as pathogenic.